The following is an entry in ClinVar:

NM_001369623.2(PI4KB):c.2316C>G (p.Leu772=)

Gene: PI4KB (phosphatidylinositol 4-kinase beta; minus strand). Cytogenetic location: 1q21.3.
Variant type: single nucleotide variant.
Coding change: c.2316C>G on transcript NM_001369623.2 (MANE Select); coding-DNA position 2316, C replaced by G.
Protein change: p.Leu772=; no amino-acid change (leucine 772 retained).
Molecular consequence: synonymous variant.
Genome position (GRCh38, 1-based): chr1:151,292,987, G>C on the plus strand (C>G on the coding strand, the complement: PI4KB is on the minus strand). VCF-style: chr1-151292987-G-C. GRCh37 (hg19) VCF-style: chr1-151265463-G-C.
Other names: c.2271C>G, p.Leu757= (NM_001198773.3, NM_001198774.2, NM_001369624.1); c.1320C>G, p.Leu440= (NM_001198775.3); c.2316C>G, p.Leu772= (NM_001330721.2, NM_001369629.2); c.2307C>G, p.Leu769= (NM_001369625.1); c.2379C>G, p.Leu793= (NM_001369626.1); c.2370C>G, p.Leu790= (NM_001369628.1); c.2352C>G, p.Leu784= (NM_002651.4).
Identifiers: ClinVar variation 4987867 (VCV004987867.1).

ClinVar aggregate classification (germline): Likely benign (1 of 4 stars; one submission).

Conditions:
PI4KB-related disorder. Also called: PI4KB-related condition.

gnomAD v4.1: 169 of 1,614,164 alleles (0.01%); highest among the groups gnomAD compares: East Asian, 0.013%; no homozygotes.

Submission:

PreventionGenetics, part of Exact Sciences
Classification: Likely benign for PI4KB-related condition. Last evaluated: 2025-06-24. Review status: criteria provided, single submitter. Criteria: ACMG Guidelines, 2015. Collection method: clinical testing. Allele origin: germline.
Comment: This variant is classified as likely benign based on ACMG/AMP sequence variant interpretation guidelines (Richards et al. 2015 PMID: 25741868, with internal and published modifications).